The following is an entry in ClinVar:

ClinVar aggregate classification (germline): Uncertain significance (1 of 4 stars; one submission).

Allele frequency attached by ClinVar (database versions not stated): TOPMed below 0.00001; gnomAD exomes 0.00001.
gnomAD v4.1: 11 of 1,614,138 alleles (0.00068%); highest among the groups gnomAD compares: Non-Finnish European, 0.00093%; no homozygotes.

Submission:

Labcorp Genetics (formerly Invitae), Labcorp
Classification: Uncertain significance. Last evaluated: 2025-10-02. Review status: criteria provided, single submitter. Criteria: Invitae Variant Classification Sherloc (09022015). Collection method: clinical testing. Allele origin: germline.
Comment: This sequence change replaces threonine, which is neutral and polar, with methionine, which is neutral and non-polar, at codon 1013 of the MICAL1 protein (p.Thr1013Met). This variant is present in population databases (no rsID available, gnomAD 0.002%). This variant has not been reported in the literature in individuals affected with MICAL1-related conditions. ClinVar contains an entry for this variant (Variation ID: 1490211). An algorithm developed to predict the effect of missense changes on protein structure and function outputs the following: PolyPhen-2: "Benign". The methionine amino acid residue is found in multiple mammalian species, which suggests that this missense change does not adversely affect protein function. In summary, the available evidence is currently insufficient to determine the role of this variant in disease. Therefore, it has been classified as a Variant of Uncertain Significance.

NM_022765.4(MICAL1):c.2981C>T (p.Thr994Met)

Gene: MICAL1 (microtubule associated monooxygenase, calponin and LIM domain containing 1; minus strand). Cytogenetic location: 6q21.
Variant type: single nucleotide variant.
Coding change: c.2981C>T on transcript NM_022765.4 (MANE Select); coding-DNA position 2981, C replaced by T.
Protein change: p.Thr994Met; replaces threonine 994 with methionine.
Molecular consequence: missense variant.
Genome position (GRCh38, 1-based): chr6:109,444,896, G>A on the plus strand (C>T on the coding strand, the complement: MICAL1 is on the minus strand). VCF-style: chr6-109444896-G-A. GRCh37 (hg19) VCF-style: chr6-109766099-G-A.
Other names: c.2723C>T, p.Thr908Met (NM_001159291.2); c.3038C>T, p.Thr1013Met (NM_001286613.2); short protein forms T1013M, T994M, T908M.
Identifiers: ClinVar variation 1490211 (VCV001490211.6), dbSNP rs1020073671, ClinGen allele CA145116467.